The following is an entry in ClinVar:

ClinVar aggregate classification (germline): Uncertain significance (1 of 4 stars; one submission).

Conditions:
Brody myopathy. Also called: BRODY DISEASE. Identifiers: Orphanet 53347, MedGen C1832918, MONDO:0010977, OMIM 601003.

Submission:

Labcorp Genetics (formerly Invitae), Labcorp
Classification: Uncertain significance for Brody myopathy. Last evaluated: 2022-03-25. Review status: criteria provided, single submitter. Criteria: Invitae Variant Classification Sherloc (09022015). Collection method: clinical testing. Allele origin: germline.
Comment: This sequence change replaces glutamic acid, which is acidic and polar, with valine, which is neutral and non-polar, at codon 606 of the ATP2A1 protein (p.Glu606Val). The frequency data for this variant in the population databases is considered unreliable, as metrics indicate poor data quality at this position in the gnomAD database. This variant has not been reported in the literature in individuals affected with ATP2A1-related conditions. Algorithms developed to predict the effect of missense changes on protein structure and function are either unavailable or do not agree on the potential impact of this missense change (SIFT: "Not Available"; PolyPhen-2: "Probably Damaging"; Align-GVGD: "Not Available"). In summary, the available evidence is currently insufficient to determine the role of this variant in disease. Therefore, it has been classified as a Variant of Uncertain Significance.

NM_004320.6(ATP2A1):c.1817_1818delinsTC (p.Glu606Val)

Gene: ATP2A1 (ATPase sarcoplasmic/endoplasmic reticulum Ca2+ transporting 1; plus strand). Cytogenetic location: 16p11.2.
Variant type: Indel.
Coding change: c.1817_1818delinsTC on transcript NM_004320.6 (MANE Select); coding-DNA positions 1817 to 1818, AG replaced by TC.
Protein change: p.Glu606Val; replaces glutamic acid 606 with valine.
Molecular consequence: missense variant.
Genome position (GRCh38, 1-based): chr16:28,900,633-28,900,634, AG replaced by TC. VCF-style: chr16-28900633-AG-TC. GRCh37 (hg19) VCF-style: chr16-28911954-AG-TC.
Other names: c.1442_1443delinsTC, p.Glu481Val (NM_001286075.2); c.1817_1818delinsTC, p.Glu606Val (NM_173201.5); short protein forms E606V, E481V.
Identifiers: ClinVar variation 2075060 (VCV002075060.1), dbSNP rs2506346125, ClinGen allele CA2580091434.